The following is an entry in ClinVar:

NM_000548.5(TSC2):c.337-7T>C

Gene: TSC2 (TSC complex subunit 2; plus strand). Cytogenetic location: 16p13.3.
Variant type: single nucleotide variant.
Coding change: c.337-7T>C on transcript NM_000548.5 (MANE Select); 7 bases into the intron before coding-DNA position 337, T replaced by C.
Molecular consequence: intron variant.
Genome position (GRCh38, 1-based): chr16:2,054,289, T>C. VCF-style: chr16-2054289-T-C. GRCh37 (hg19) VCF-style: chr16-2104290-T-C.
Other names: c.-1311-7T>C (NM_001406693.1); c.427-7T>C (NM_001406667.1, NM_001406668.1); c.-480-7T>C (NM_001406680.1, NM_001406683.1, NM_001406687.1); c.-1095-7T>C (NM_001406689.1, NM_001406690.1, NM_001406692.1 and 2 more transcripts); c.-1271-7T>C (NM_001406698.1); c.337-7T>C (NM_001114382.3, NM_001406663.1, NM_001406664.1 and 8 more transcripts); c.-976-7T>C (NM_001406694.1, NM_001406695.1); c.-1083-7T>C (NM_001406696.1); and 6 more.
Identifiers: ClinVar variation 2828985 (VCV002828985.3), dbSNP rs2548412607, ClinGen allele CA2739269883.
Genomic context (GRCh38, chr16:2,054,289, plus strand): 5'-GGGACTTCTTGGCAGCCGTGTGGGCGACGCTGGCAGGCTCTGCTGATCCTGTGGCTTTTG[T>C]CTTTAGGGCGAGCGTTTGGGGGTCCTCAGAGCCCTCTTCTTTAAGGTCATCAAGGATTAC-3'

ClinVar aggregate classification (germline): Uncertain significance (1 of 4 stars; one submission).

Conditions:
Tuberous sclerosis 2 (TSC2). Identifiers: Orphanet 805, MedGen C1860707, MONDO:0013199, OMIM 613254.

Submission:

Labcorp Genetics (formerly Invitae), Labcorp
Classification: Uncertain significance for Tuberous sclerosis 2. Last evaluated: 2023-01-16. Review status: criteria provided, single submitter. Criteria: Invitae Variant Classification Sherloc (09022015). Collection method: clinical testing. Allele origin: germline.
Comment: In summary, the available evidence is currently insufficient to determine the role of this variant in disease. Therefore, it has been classified as a Variant of Uncertain Significance. Algorithms developed to predict the effect of sequence changes on RNA splicing suggest that this variant may create or strengthen a splice site. This variant has not been reported in the literature in individuals affected with TSC2-related conditions. This variant is not present in population databases (gnomAD no frequency). This sequence change falls in intron 4 of the TSC2 gene. It does not directly change the encoded amino acid sequence of the TSC2 protein.